The following is an entry in ClinVar:

NM_006005.3(WFS1):c.1211C>G (p.Pro404Arg)

Gene: WFS1 (wolframin ER transmembrane glycoprotein; plus strand). Cytogenetic location: 4p16.1.
Variant type: single nucleotide variant.
Coding change: c.1211C>G on transcript NM_006005.3 (MANE Select); coding-DNA position 1211, C replaced by G.
Protein change: p.Pro404Arg; replaces proline 404 with arginine.
Molecular consequence: missense variant.
Genome position (GRCh38, 1-based): chr4:6,301,006, C>G. VCF-style: chr4-6301006-C-G. GRCh37 (hg19) VCF-style: chr4-6302733-C-G.
Other names: c.1211C>G, p.Pro404Arg (NM_001145853.1); short protein forms P404R.
Identifiers: ClinVar variation 3190516 (VCV003190516.2), dbSNP rs935411471, ClinGen allele CA356174471.

ClinVar aggregate classification (germline): Uncertain significance. Review status: criteria provided, multiple submitters, no conflicts (2 of 4 stars). 2 submissions from 2 submitters: Uncertain significance (2). Last evaluated 2025-11-25.

Conditions:
Inborn genetic diseases. Identifiers: MedGen C0950123, MeSH D030342.

gnomAD v4.1: 1 of 1,613,996 alleles (0.000062%); highest among the groups gnomAD compares: African/African-American, 0.0013%; no homozygotes.

Submissions (2):

Labcorp Genetics (formerly Invitae), Labcorp
Classification: Uncertain significance. Last evaluated: 2025-11-25. Review status: criteria provided, single submitter. Criteria: Invitae Variant Classification Sherloc (09022015). Collection method: clinical testing. Allele origin: germline.
Comment: This sequence change replaces proline, which is neutral and non-polar, with arginine, which is basic and polar, at codon 404 of the WFS1 protein (p.Pro404Arg). This variant is not present in population databases (gnomAD no frequency). This variant has not been reported in the literature in individuals affected with WFS1-related conditions. ClinVar contains an entry for this variant (Variation ID: 3190516). Invitae Evidence Modeling of protein sequence and biophysical properties (such as structural, functional, and spatial information, amino acid conservation, physicochemical variation, residue mobility, and thermodynamic stability) indicates that this missense variant is expected to disrupt WFS1 protein function with a positive predictive value of 80%. In summary, the available evidence is currently insufficient to determine the role of this variant in disease. Therefore, it has been classified as a Variant of Uncertain Significance.

Ambry Genetics
Classification: Uncertain significance for Inborn genetic diseases. Last evaluated: 2023-12-08. Review status: criteria provided, single submitter. Criteria: Ambry Variant Classification Scheme 2023. Collection method: clinical testing. Allele origin: germline.